The following is an entry in ClinVar:

NM_024422.6(DSC2):c.1660C>T (p.Gln554Ter)

Gene: DSC2 (desmocollin 2; minus strand). Cytogenetic location: 18q12.1.
Variant type: single nucleotide variant.
Coding change: c.1660C>T on transcript NM_024422.6 (MANE Select); coding-DNA position 1660, C replaced by T.
Protein change: p.Gln554Ter; replaces glutamine 554 with a stop codon.
Molecular consequence: nonsense.
Genome position (GRCh38, 1-based): chr18:31,079,850, G>A on the plus strand (C>T on the coding strand, the complement: DSC2 is on the minus strand). VCF-style: chr18-31079850-G-A. GRCh37 (hg19) VCF-style: chr18-28659816-G-A.
Other names: c.1660C>T, p.Gln554Ter (NM_004949.5); short protein forms Q554*.
Identifiers: ClinVar variation 235909 (VCV000235909.16), dbSNP rs878853170, ClinGen allele CA10581489.

ClinVar aggregate classification (germline): Pathogenic. Review status: criteria provided, multiple submitters, no conflicts (2 of 4 stars). 4 submissions from 4 submitters: Pathogenic (3). 1 of the submissions does not count toward it. Last evaluated 2024-12-02.

Conditions:
ARRHYTHMOGENIC RIGHT VENTRICULAR DYSPLASIA, FAMILIAL, 11, WITH OR WITHOUT MILD PALMOPLANTAR KERATODERMA.
DSC2-related disorders.
Arrhythmogenic right ventricular dysplasia 11. Also called: Arrhythmogenic Right Ventricular Dysplasia/Cardiomyopathy11; ARRHYTHMOGENIC RIGHT VENTRICULAR DYSPLASIA, FAMILIAL, 11; Arrhythmogenic right ventricular dysplasia 11 with mild palmoplantar keratoderma and woolly hair. Identifiers: MedGen C1864850, MONDO:0012506, OMIM 610476.

Allele frequency attached by ClinVar (database versions not stated): gnomAD exomes below 0.00001.
gnomAD v4.1: 1 of 1,613,806 alleles (0.000062%); highest among the groups gnomAD compares: Non-Finnish European, 0.000085%; no homozygotes.

Submissions (4):

GeneDx
Classification: Pathogenic. Last evaluated: 2024-12-02. Review status: criteria provided, single submitter. Criteria: GeneDx Variant Classification Process June 2021. Collection method: clinical testing. Allele origin: germline. Affected: yes.
Comment: Nonsense variant in the C-terminus predicted to result in protein truncation and other loss-of-function variants have been reported downstream in the Human Gene Mutation Database (HGMD); Published functional studies demonstrate a damaging effect as this variant results in the production of a stable, partially-processed truncated protein, but the truncated protein product showed altered expression at the intercalated discs (PMID: 23863954); Not observed at significant frequency in large population cohorts (gnomAD); This variant is associated with the following publications: (PMID: 23863954, 25497880, 27247959, 26310507, 26788539, 25921558, 27474350, 30454721, 34449993, 36142674, 35012021, 31402444, 20152563)

Blueprint Genetics
Classification: Pathogenic for DSC2-related disorders. Last evaluated: 2024-11-11. Review status: criteria provided, single submitter. Criteria: ACMG Guidelines, 2015. Collection method: clinical testing. Allele origin: germline. Affected: yes. Observed: 5 variant alleles.

Labcorp Genetics (formerly Invitae), Labcorp
Classification: Pathogenic for Arrhythmogenic right ventricular dysplasia 11. Last evaluated: 2024-07-09. Review status: criteria provided, single submitter. Criteria: Invitae Variant Classification Sherloc (09022015). Collection method: clinical testing. Allele origin: germline.
Comment: This sequence change creates a premature translational stop signal (p.Gln554*) in the DSC2 gene. It is expected to result in an absent or disrupted protein product. Loss-of-function variants in DSC2 are known to be pathogenic (PMID: 23911551). This variant is present in population databases (no rsID available, gnomAD 0.0009%). This premature translational stop signal has been observed in individual(s) with autosomal recessive and dominant DSC2-related conditions (PMID: 20152563, 23863954, 25497880). ClinVar contains an entry for this variant (Variation ID: 235909). For these reasons, this variant has been classified as Pathogenic.

OMIM
Classification: Pathogenic for ARRHYTHMOGENIC RIGHT VENTRICULAR DYSPLASIA, FAMILIAL, 11, WITH OR WITHOUT MILD PALMOPLANTAR KERATODERMA. Last evaluated: 2009-01-01. Review status: no assertion criteria provided. Collection method: literature only. Allele origin: germline. Not counted in ClinVar's aggregate classification.

Literature cited by the submitters: PubMed 23911551 (cited by Labcorp Genetics (formerly Invitae), Labcorp); PubMed 20152563 (cited by Labcorp Genetics (formerly Invitae), Labcorp); PubMed 23863954 (cited by Labcorp Genetics (formerly Invitae), Labcorp and OMIM); PubMed 25497880 (cited by Labcorp Genetics (formerly Invitae), Labcorp); PubMed 18957847 (cited by OMIM).